The following is an entry in ClinVar:

ClinVar aggregate classification (germline): Conflicting classifications of pathogenicity. Review status: criteria provided, conflicting classifications (1 of 4 stars). 2 submissions from 2 submitters: Uncertain significance (1); Likely benign (1). Last evaluated 2024-07-16.

Conditions:
Inborn genetic diseases. Identifiers: MedGen C0950123, MeSH D030342.

Allele frequency attached by ClinVar (database versions not stated): ExAC 0.00007; TOPMed 0.00007; gnomAD 0.00009; gnomAD exomes 0.00014.
gnomAD v4.1: 218 of 1,614,036 alleles (0.014%); highest among the groups gnomAD compares: Non-Finnish European, 0.017%; no homozygotes.

Submissions (2):

Ambry Genetics
Classification: Likely benign for Inborn genetic diseases. Last evaluated: 2024-07-16. Review status: criteria provided, single submitter. Criteria: Ambry Variant Classification Scheme 2023. Collection method: clinical testing. Allele origin: germline.

Labcorp Genetics (formerly Invitae), Labcorp
Classification: Uncertain significance. Last evaluated: 2022-10-24. Review status: criteria provided, single submitter. Criteria: Invitae Variant Classification Sherloc (09022015). Collection method: clinical testing. Allele origin: germline.
Comment: Advanced modeling of protein sequence and biophysical properties (such as structural, functional, and spatial information, amino acid conservation, physicochemical variation, residue mobility, and thermodynamic stability) performed at Invitae indicates that this missense variant is not expected to disrupt WDR62 protein function. In summary, the available evidence is currently insufficient to determine the role of this variant in disease. Therefore, it has been classified as a Variant of Uncertain Significance. This variant has not been reported in the literature in individuals affected with WDR62-related conditions. This variant is present in population databases (rs770138214, gnomAD 0.01%). This sequence change replaces alanine, which is neutral and non-polar, with threonine, which is neutral and polar, at codon 329 of the WDR62 protein (p.Ala329Thr).

NM_001083961.2(WDR62):c.985G>A (p.Ala329Thr)

Gene: WDR62 (WD repeat domain 62; plus strand). Cytogenetic location: 19q13.12.
Variant type: single nucleotide variant.
Coding change: c.985G>A on transcript NM_001083961.2 (MANE Select); coding-DNA position 985, G replaced by A.
Protein change: p.Ala329Thr; replaces alanine 329 with threonine.
Molecular consequence: missense variant.
Genome position (GRCh38, 1-based): chr19:36,071,658, G>A. VCF-style: chr19-36071658-G-A. GRCh37 (hg19) VCF-style: chr19-36562560-G-A.
Other names: c.985G>A, p.Ala329Thr (NM_001411145.1, NM_001411146.1, NM_173636.5); c.985G>A (NM_001083961.1); short protein forms A329T.
Identifiers: ClinVar variation 2198017 (VCV002198017.5), dbSNP rs770138214, ClinGen allele CA9395444.